The following is an entry in ClinVar:

ClinVar aggregate classification (germline): Uncertain significance (1 of 4 stars; one submission).

Conditions:
Microcephaly, normal intelligence and immunodeficiency (NBS). Also called: Ataxia telangiectasia variant V1; Nijmegen breakage syndrome; Immunodeficiency, microcephaly with normal intelligence; IMMUNODEFICIENCY, MICROCEPHALY, AND CHROMOSOMAL INSTABILITY; SEEMANOVA SYNDROME II; BERLIN BREAKAGE SYNDROME. Identifiers: Orphanet 647, MedGen C0398791, MONDO:0009623, OMIM 251260.

Submission:

Labcorp Genetics (formerly Invitae), Labcorp
Classification: Uncertain significance for Microcephaly, normal intelligence and immunodeficiency. Last evaluated: 2019-09-25. Review status: criteria provided, single submitter. Criteria: Invitae Variant Classification Sherloc (09022015). Collection method: clinical testing. Allele origin: germline.
Comment: This variant results in a copy number gain of the genomic region encompassing the full coding sequence of the NBN gene. The boundaries of this event are unknown as they extend beyond the assayed region for this gene and therefore may encompass additional genes. As the precise location of this event is unknown, it may be in tandem or it may be located elsewhere in the genome. This variant has not been reported in the literature in individuals with NBN-related conditions. In summary, the available evidence is currently insufficient to determine the role of this variant in disease. Therefore, it has been classified as a Variant of Uncertain Significance.

NC_000008.11:g.(?_89935041)_(90051917_?)dup

Genes: DECR1 (2,4-dienoyl-CoA reductase 1; plus strand), NBN (nibrin; minus strand). Cytogenetic location: 8q21.3.
Variant type: Duplication.
Identifiers: ClinVar variation 833044 (VCV000833044.1).